The following is an entry in ClinVar:

NM_016628.5(WAC):c.1113A>T (p.Gln371His)

Gene: WAC (WW domain containing adaptor with coiled-coil; plus strand). Cytogenetic location: 10p12.1.
Variant type: single nucleotide variant.
Coding change: c.1113A>T on transcript NM_016628.5 (MANE Select); coding-DNA position 1113, A replaced by T.
Protein change: p.Gln371His; replaces glutamine 371 with histidine.
Molecular consequence: missense variant.
Genome position (GRCh38, 1-based): chr10:28,608,379, A>T. VCF-style: chr10-28608379-A-T. GRCh37 (hg19) VCF-style: chr10-28897308-A-T.
Other names: c.978A>T, p.Gln326His (NM_100264.3); c.804A>T, p.Gln268His (NM_100486.4); short protein forms Q268H, Q326H, Q371H.
Identifiers: ClinVar variation 3389684 (VCV003389684.14).

ClinVar aggregate classification (germline): Uncertain significance (1 of 4 stars; one submission).

Submission:

CeGaT Center for Human Genetics Tuebingen
Classification: Uncertain significance. Last evaluated: 2024-09-01. Review status: criteria provided, single submitter. Criteria: CeGaT Center For Human Genetics Tuebingen Variant Classification Criteria Version 2. Collection method: clinical testing. Allele origin: germline. Affected: yes. Observed: 1 variant allele.
Comment: WAC: PM2